The following is an entry in ClinVar:

ClinVar aggregate classification (germline): Pathogenic (1 of 4 stars; one submission).

Conditions:
TH-deficient dopa-responsive dystonia. Also called: Segawa syndrome, autosomal recessive; Tyrosine Hydroxylase-Deficient Dopa-Responsive Dystonia; DYT-TH. Identifiers: Orphanet 101150, MedGen C2673535, MONDO:0011551, OMIM 605407.

Submission:

Myriad Genetics, Inc.
Classification: Pathogenic for TH-deficient dopa-responsive dystonia. Last evaluated: 2025-11-21. Review status: criteria provided, single submitter. Criteria: Myriad Autosomal Dominant, Autosomal Recessive and X-Linked Classification Criteria (2023). Collection method: clinical testing. Allele origin: unknown.
Comment: NM_199292.2(TH):c.830_837del8ins4(H277Lfs*33) is expected to be pathogenic in the context of tyrosine hydroxylase deficiency. This variant is predicted to lead to an abnormal or absent protein product due to the creation of a premature termination codon in TH, a gene where loss-of-function variants are known to be pathogenic. Please note: this variant was assessed in the context of healthy population screening.

NM_000360.4(TH):c.737_744delinsTCCA (p.His246fs)

Gene: TH (tyrosine hydroxylase; minus strand). Cytogenetic location: 11p15.5.
Variant type: Indel.
Coding change: c.737_744delinsTCCA on transcript NM_000360.4 (MANE Select); coding-DNA positions 737 to 744, ACGCCTGC replaced by TCCA.
Protein change: p.His246fs; shifts the reading frame from histidine 246.
Molecular consequence: frameshift variant. On other transcripts: intron variant (2).
Genome position (GRCh38, 1-based): chr11:2,166,984-2,166,991, GCAGGCGT replaced by TGGA on the plus strand (ACGCCTGC replaced by TCCA on the coding strand, the reverse complement: TH is on the minus strand). VCF-style: chr11-2166984-GCAGGCGT-TGGA. GRCh37 (hg19) VCF-style: chr11-2188214-GCAGGCGT-TGGA.
Other names: c.749_756delinsTCCA, p.His250fs (NM_001440535.1); c.830_837delinsTCCA, p.His277fs (NM_199292.3); c.818_825delinsTCCA, p.His273fs (NM_199293.3); c.696-442_696-435delinsTCCA (NM_001440537.1); c.708-442_708-435delinsTCCA (NM_001440536.1); short protein forms H246fs, H250fs, H273fs, H277fs.
Identifiers: ClinVar variation 5015246 (VCV005015246.1).